The following is an entry in ClinVar:

NM_000533.5(PLP1):c.758C>T (p.Ser253Phe)

Genes: PLP1 (proteolipid protein 1; plus strand), RAB9B (RAB9B, member RAS oncogene family; minus strand). Cytogenetic location: Xq22.2.
Variant type: single nucleotide variant.
Coding change: c.758C>T on transcript NM_000533.5 (MANE Select); coding-DNA position 758, C replaced by T.
Protein change: p.Ser253Phe; replaces serine 253 with phenylalanine.
Molecular consequence: missense variant.
Genome position (GRCh38, 1-based): chrX:103,789,394, C>T. VCF-style: chrX-103789394-C-T. GRCh37 (hg19) VCF-style: chrX-103044323-C-T.
Other names: c.758C>T, p.Ser253Phe (NM_001128834.3); c.593C>T, p.Ser198Phe (NM_001305004.1); c.653C>T, p.Ser218Phe (NM_199478.3); short protein forms S198F, S218F, S253F.
Identifiers: ClinVar variation 3255456 (VCV003255456.2), dbSNP rs2522323235.
Genomic context (GRCh38, chrX:103,789,394, plus strand): 5'-TCCAAATGACCTTCCACCTGTTTATTGCTGCATTTGTGGGGGCTGCAGCTACACTGGTTT[C>T]CCTGGTGAGTTGACTTTGAATGATCTTGGCAAGTAAATAGGCCTGAGATAGTGTGGGTAC-3'
Protein context (NP_000524.3, residues 243-263): AFVGAAATLV[Ser253Phe]LLTFMIAATY

ClinVar aggregate classification (germline): Likely pathogenic (1 of 4 stars; one submission).

Conditions:
Pelizaeus-Merzbacher disease. Also called: LEUKODYSTROPHY, HYPOMYELINATING, 1; Sudanophilic leukodystrophy; Pelizaeus-Merzbacher spectrum disorder; Pelizaeus-Merzbacher Disease (PMD); Pelizeaus-Merzbacher spectrum disorder. Identifiers: Orphanet 702, MedGen C0205711, MONDO:0010714, OMIM 312080, HP:0003269.

Submission:

Molecular Diagnostics Lab, Nemours Children's Health, Delaware
Classification: Likely pathogenic for Pelizaeus-Merzbacher disease. Last evaluated: 2022-02-10. Review status: criteria provided, single submitter. Criteria: ACMG Guidelines, 2015. Collection method: clinical testing. Allele origin: maternal, unknown. Inheritance: X-linked inheritance. Affected: yes and no. Observed: 1 heterozygote, 1 hemizygote.
Comment: This missense variant (c.758C>T, p.Ser253Phe) has not been observed in population databases (gnomAD). It has been described in the literature (PMID 9788732). Variant prediction programs support a deleterious effect on the protein, but functional studies have not been reported. Functional studies have reported deleterious effects from another change within the same codon (p.Ser253Thr; PMID 24936452) which further supports a classification of likely pathogenic for this variant.

Literature cited by the submitters: PubMed 9788732.